The following is an entry in ClinVar:

ClinVar aggregate classification (germline): Conflicting classifications of pathogenicity. Review status: criteria provided, conflicting classifications (1 of 4 stars). 3 submissions from 3 submitters: Uncertain significance (1); Likely benign (2). Last evaluated 2025-11-13.

Conditions:
Cardiovascular phenotype. Identifiers: MedGen CN230736.
Dilated cardiomyopathy 1JJ (CMD1JJ). Identifiers: Orphanet 154, MedGen C3808935, MONDO:0014095, OMIM 615235.
LAMA4-related disorder. Also called: LAMA4-related condition.

gnomAD v4.1: 192 of 1,613,636 alleles (0.012%); highest among the groups gnomAD compares: Middle Eastern, 0.016%; 2 homozygotes.

Submissions (3):

PreventionGenetics, part of Exact Sciences
Classification: Likely benign for LAMA4-related condition. Last evaluated: 2025-11-13. Review status: criteria provided, single submitter. Criteria: ACMG Guidelines, 2015. Collection method: clinical testing. Allele origin: germline.
Comment: This variant is classified as likely benign based on ACMG/AMP sequence variant interpretation guidelines (Richards et al. 2015 PMID: 25741868, with internal and published modifications).

Labcorp Genetics (formerly Invitae), Labcorp
Classification: Likely benign for Dilated cardiomyopathy 1JJ. Last evaluated: 2025-07-13. Review status: criteria provided, single submitter. Criteria: Invitae Variant Classification Sherloc (09022015). Collection method: clinical testing. Allele origin: germline.

Ambry Genetics
Classification: Uncertain significance for Cardiovascular phenotype. Last evaluated: 2024-08-01. Review status: criteria provided, single submitter. Criteria: Ambry Variant Classification Scheme 2023. Collection method: clinical testing. Allele origin: germline.
Comment: The p.R1030Q variant (also known as c.3089G>A), located in coding exon 22 of the LAMA4 gene, results from a G to A substitution at nucleotide position 3089. The arginine at codon 1030 is replaced by glutamine, an amino acid with highly similar properties. However, this change occurs in the last base pair of coding exon 22, which makes it likely to have some effect on normal mRNA splicing. These nucleotide and amino acid positions are highly conserved in available vertebrate species. In silico splice site analysis predicts that this alteration will weaken the native splice donor site. In addition, as a missense substitution, the in silico prediction for this alteration is inconclusive. However, loss of function of LAMA4 has not been established as a mechanism of disease. The evidence for this gene-disease relationship is limited; therefore, the clinical significance of this alteration is unclear.

NM_001105206.3(LAMA4):c.3110G>A (p.Arg1037Gln)

Gene: LAMA4 (laminin subunit alpha 4; minus strand). Cytogenetic location: 6q21.
Variant type: single nucleotide variant.
Coding change: c.3110G>A on transcript NM_001105206.3 (MANE Select); coding-DNA position 3110, G replaced by A.
Protein change: p.Arg1037Gln; replaces arginine 1037 with glutamine.
Molecular consequence: missense variant.
Genome position (GRCh38, 1-based): chr6:112,139,752, C>T on the plus strand (G>A on the coding strand, the complement: LAMA4 is on the minus strand). VCF-style: chr6-112139752-C-T. GRCh37 (hg19) VCF-style: chr6-112460954-C-T.
Other names: c.3089G>A (NM_002290.4); c.3089G>A, p.Arg1030Gln (NM_001105207.3, NM_002290.5); short protein forms R1030Q, R1037Q.
Identifiers: ClinVar variation 3536927 (VCV003536927.4), dbSNP rs201939337.